The following is an entry in ClinVar:

ClinVar aggregate classification (germline): Uncertain significance. Review status: criteria provided, multiple submitters, no conflicts (2 of 4 stars). 2 submissions from 2 submitters: Uncertain significance (2). Last evaluated 2025-03-07.

Conditions:
Polyglucosan body myopathy type 1 (PGBM1). Also called: Polyglucosan body myopathy 1 with or without immunodeficiency; POLYGLUCOSAN BODY MYOPATHY WITHOUT IMMUNODEFICIENCY. Identifiers: Orphanet 329173, Orphanet 397937, MedGen C4014605, MONDO:0014389, OMIM 615895.

Allele frequency attached by ClinVar (database versions not stated): gnomAD exomes 0.00009; gnomAD 0.00035 and 0.00041; ESP Exome Variant Server 0.00038; ExAC 0.00009; TOPMed 0.00043.
gnomAD v4.1: 95 of 1,613,090 alleles (0.0059%); highest among the groups gnomAD compares: African/African-American, 0.11%; no homozygotes.

Submissions (2):

GeneDx
Classification: Uncertain significance. Last evaluated: 2025-03-07. Review status: criteria provided, single submitter. Criteria: GeneDx Variant Classification Process June 2021. Collection method: clinical testing. Allele origin: germline. Affected: yes.
Comment: In silico analysis indicates that this missense variant does not alter protein structure/function; Has not been previously published as pathogenic or benign to our knowledge

Labcorp Genetics (formerly Invitae), Labcorp
Classification: Uncertain significance for Polyglucosan body myopathy type 1. Last evaluated: 2022-09-13. Review status: criteria provided, single submitter. Criteria: Invitae Variant Classification Sherloc (09022015). Collection method: clinical testing. Allele origin: germline.
Comment: This sequence change replaces tryptophan, which is neutral and slightly polar, with serine, which is neutral and polar, at codon 58 of the RBCK1 protein (p.Trp58Ser). This variant is present in population databases (rs143804674, gnomAD 0.1%). This variant has not been reported in the literature in individuals affected with RBCK1-related conditions. ClinVar contains an entry for this variant (Variation ID: 642015). Advanced modeling of protein sequence and biophysical properties (such as structural, functional, and spatial information, amino acid conservation, physicochemical variation, residue mobility, and thermodynamic stability) performed at Invitae indicates that this missense variant is not expected to disrupt RBCK1 protein function. In summary, the available evidence is currently insufficient to determine the role of this variant in disease. Therefore, it has been classified as a Variant of Uncertain Significance.

NM_031229.4(RBCK1):c.173G>C (p.Trp58Ser)

Gene: RBCK1 (RANBP2-type and C3HC4-type zinc finger containing 1; plus strand). Cytogenetic location: 20p13.
Variant type: single nucleotide variant.
Coding change: c.173G>C on transcript NM_031229.4 (MANE Select); coding-DNA position 173, G replaced by C.
Protein change: p.Trp58Ser; replaces tryptophan 58 with serine.
Molecular consequence: missense variant. On other transcripts: 5 prime UTR variant (2), non-coding transcript variant (1).
Genome position (GRCh38, 1-based): chr20:417,531, G>C. VCF-style: chr20-417531-G-C. GRCh37 (hg19) VCF-style: chr20-398175-G-C.
Other names: c.-177G>C (NM_001323956.2, NM_001323958.2); c.47G>C, p.Trp16Ser (NM_006462.6); c.173G>C (NM_031229.2); short protein forms W16S, W58S.
Identifiers: ClinVar variation 642015 (VCV000642015.8), dbSNP rs143804674, ClinGen allele CA9722996.